The following is an entry in ClinVar:

NM_017934.7(PHIP):c.1589C>T (p.Ala530Val)

Gene: PHIP (PHIP subunit of CUL4-Ring ligase complex; minus strand). Cytogenetic location: 6q14.1.
Variant type: single nucleotide variant.
Coding change: c.1589C>T on transcript NM_017934.7 (MANE Select); coding-DNA position 1589, C replaced by T.
Protein change: p.Ala530Val; replaces alanine 530 with valine.
Molecular consequence: missense variant.
Genome position (GRCh38, 1-based): chr6:79,003,794, G>A on the plus strand (C>T on the coding strand, the complement: PHIP is on the minus strand). VCF-style: chr6-79003794-G-A. GRCh37 (hg19) VCF-style: chr6-79713511-G-A.
Other names: short protein forms A530V.
Identifiers: ClinVar variation 3681497 (VCV003681497.2).

ClinVar aggregate classification (germline): Uncertain significance (1 of 4 stars; one submission).

Submission:

Labcorp Genetics (formerly Invitae), Labcorp
Classification: Uncertain significance. Last evaluated: 2024-10-10. Review status: criteria provided, single submitter. Criteria: Invitae Variant Classification Sherloc (09022015). Collection method: clinical testing. Allele origin: germline.
Comment: This sequence change replaces alanine, which is neutral and non-polar, with valine, which is neutral and non-polar, at codon 530 of the PHIP protein (p.Ala530Val). This variant is not present in population databases (gnomAD no frequency). This variant has not been reported in the literature in individuals affected with PHIP-related conditions. Invitae Evidence Modeling of protein sequence and biophysical properties (such as structural, functional, and spatial information, amino acid conservation, physicochemical variation, residue mobility, and thermodynamic stability) indicates that this missense variant is not expected to disrupt PHIP protein function with a negative predictive value of 95%. In summary, the available evidence is currently insufficient to determine the role of this variant in disease. Therefore, it has been classified as a Variant of Uncertain Significance.